The following is an entry in ClinVar:

ClinVar aggregate classification (germline): Uncertain significance. Review status: criteria provided, multiple submitters, no conflicts (2 of 4 stars). 3 submissions from 3 submitters: Uncertain significance (2). 1 of the submissions does not count toward it. Last evaluated 2022-12-03.

Conditions:
Tatton-Brown-Rahman overgrowth syndrome. Also called: Tatton-Brown-Rahman syndrome; Tall stature-intellectual disability-facial dysmorphism syndrome. Identifiers: Orphanet 404443, MedGen C4014545, MONDO:0014382, OMIM 615879.
DNMT3A-related disorder. Also called: DNMT3A-related condition; DNMT3A-related disorders.

Allele frequency attached by ClinVar (database versions not stated): ExAC 0.00001; gnomAD 0.00001; gnomAD exomes 0.00001; TOPMed 0.00001.
gnomAD v4.1: 17 of 1,609,684 alleles (0.0011%); highest among the groups gnomAD compares: South Asian, 0.0033%; no homozygotes.

Submissions (3):

Labcorp Genetics (formerly Invitae), Labcorp
Classification: Uncertain significance for Tatton-Brown-Rahman overgrowth syndrome. Last evaluated: 2022-12-03. Review status: criteria provided, single submitter. Criteria: Invitae Variant Classification Sherloc (09022015). Collection method: clinical testing. Allele origin: germline.
Comment: In summary, the available evidence is currently insufficient to determine the role of this variant in disease. Therefore, it has been classified as a Variant of Uncertain Significance. Algorithms developed to predict the effect of missense changes on protein structure and function are either unavailable or do not agree on the potential impact of this missense change (SIFT: "Deleterious"; PolyPhen-2: "Benign"; Align-GVGD: "Class C0"). This variant has not been reported in the literature in individuals affected with DNMT3A-related conditions. The frequency data for this variant in the population databases is considered unreliable, as metrics indicate poor data quality at this position in the gnomAD database. This sequence change replaces arginine, which is basic and polar, with cysteine, which is neutral and slightly polar, at codon 33 of the DNMT3A protein (p.Arg33Cys).

Department of Pathology and Laboratory Medicine, Sinai Health System
Classification: Uncertain significance for Tatton-Brown-Rahman overgrowth syndrome. Last evaluated: 2021-08-03. Review status: criteria provided, single submitter. Criteria: ACMG Guidelines, 2015. Collection method: research. Allele origin: germline.

PreventionGenetics, part of Exact Sciences
Classification: Uncertain significance for DNMT3A-related condition. Last evaluated: 2024-09-26. Review status: no assertion criteria provided. Collection method: clinical testing. Allele origin: germline. Not counted in ClinVar's aggregate classification.
Comment: The DNMT3A c.97C>T variant is predicted to result in the amino acid substitution p.Arg33Cys. To our knowledge, this variant has not been reported in individuals with DNMT3A related diseases. This variant is reported in 0.0018% of alleles in individuals of European (Non-Finnish) descent in gnomAD. At this time, the clinical significance of this variant is uncertain due to the absence of conclusive functional and genetic evidence.

NM_022552.5(DNMT3A):c.97C>T (p.Arg33Cys)

Gene: DNMT3A (DNA methyltransferase 3 alpha; minus strand). Cytogenetic location: 2p23.3.
Variant type: single nucleotide variant.
Coding change: c.97C>T on transcript NM_022552.5 (MANE Select); coding-DNA position 97, C replaced by T.
Protein change: p.Arg33Cys; replaces arginine 33 with cysteine.
Molecular consequence: missense variant. On other transcripts: non-coding transcript variant (1).
Genome position (GRCh38, 1-based): chr2:25,300,219, G>A on the plus strand (C>T on the coding strand, the complement: DNMT3A is on the minus strand). VCF-style: chr2-25300219-G-A. GRCh37 (hg19) VCF-style: chr2-25523088-G-A.
Other names: c.97C>T, p.Arg33Cys (NM_001320892.2, NM_175629.2, NM_175630.1); short protein forms R33C.
Identifiers: ClinVar variation 2897696 (VCV002897696.5), dbSNP rs758534627, ClinGen allele CA1556551.